The following is an entry in ClinVar:

ClinVar aggregate classification (germline): Uncertain significance (1 of 4 stars; one submission).

Submission:

Labcorp Genetics (formerly Invitae), Labcorp
Classification: Uncertain significance. Last evaluated: 2022-09-01. Review status: criteria provided, single submitter. Criteria: Invitae Variant Classification Sherloc (09022015). Collection method: clinical testing. Allele origin: germline.
Comment: In summary, the available evidence is currently insufficient to determine the role of this variant in disease. Therefore, it has been classified as a Variant of Uncertain Significance. Algorithms developed to predict the effect of missense changes on protein structure and function output the following: SIFT: "Tolerated"; PolyPhen-2: "Benign"; Align-GVGD: "Class C0". The aspartic acid amino acid residue is found in multiple mammalian species, which suggests that this missense change does not adversely affect protein function. ClinVar contains an entry for this variant (Variation ID: 1490182). This variant has not been reported in the literature in individuals affected with C1QA-related conditions. This variant is not present in population databases (gnomAD no frequency). This sequence change replaces glutamic acid, which is acidic and polar, with aspartic acid, which is acidic and polar, at codon 72 of the C1QA protein (p.Glu72Asp).

NM_015991.4(C1QA):c.216A>C (p.Glu72Asp)

Gene: C1QA (complement C1q A chain; plus strand). Cytogenetic location: 1p36.12.
Variant type: single nucleotide variant.
Coding change: c.216A>C on transcript NM_015991.4 (MANE Select); coding-DNA position 216, A replaced by C.
Protein change: p.Glu72Asp; replaces glutamic acid 72 with aspartic acid.
Molecular consequence: missense variant.
Genome position (GRCh38, 1-based): chr1:22,638,885, A>C. VCF-style: chr1-22638885-A-C. GRCh37 (hg19) VCF-style: chr1-22965378-A-C.
Other names: c.216A>C, p.Glu72Asp (NM_001347466.2, NM_001347465.2); short protein forms E72D.
Identifiers: ClinVar variation 1490182 (VCV001490182.6), dbSNP rs1642221345, ClinGen allele CA338928013.
Genomic context (GRCh38, chr1:22,638,885, plus strand): 5'-CCCCACAGGGGCCCCTGGCATCCGGACAGGCATCCAAGGCCTTAAAGGAGACCAGGGGGA[A>C]CCTGGGCCCTCTGGAAACCCCGGCAAGGTGGGCTACCCAGGGCCCAGCGGCCCCCTCGGA-3'
Protein context (NP_057075.1, residues 62-82): GIQGLKGDQG[Glu72Asp]PGPSGNPGKV